The following is an entry in ClinVar:

NM_002055.5(GFAP):c.548G>T (p.Arg183Leu)

Gene: GFAP (glial fibrillary acidic protein; minus strand). Cytogenetic location: 17q21.31.
Variant type: single nucleotide variant.
Coding change: c.548G>T on transcript NM_002055.5 (MANE Select); coding-DNA position 548, G replaced by T.
Protein change: p.Arg183Leu; replaces arginine 183 with leucine.
Molecular consequence: missense variant.
Genome position (GRCh38, 1-based): chr17:44,913,798, C>A on the plus strand (G>T on the coding strand, the complement: GFAP is on the minus strand). VCF-style: chr17-44913798-C-A. GRCh37 (hg19) VCF-style: chr17-42991166-C-A.
Other names: c.548G>T, p.Arg183Leu (NM_001131019.3, NM_001242376.3, NM_001363846.2); short protein forms R183L.
Identifiers: ClinVar variation 2992262 (VCV002992262.3), dbSNP rs769613792, ClinGen allele CA399846720.
Genomic context (GRCh38, chr17:44,913,798, plus strand): 5'-ATCTTCCTCAAGAACCGGATCTCCTCCTCCAGCGACTCAATCTTCCTCTCCAGATCCAGA[C>A]GGGCCAGGGTGGCTTCATCTGCTTCCTGGAGTGGCAGGAGGGGTGAGGAGTAGAGGGCCA-3'
Protein context (NP_002046.1, residues 173-193): RQEADEATLA[Arg183Leu]LDLERKIESL

ClinVar aggregate classification (germline): Uncertain significance (1 of 4 stars; one submission).

gnomAD v4.1: 3 of 1,614,168 alleles (0.00019%); highest among the groups gnomAD compares: Admixed American, 0.0033%; no homozygotes.

Submission:

Labcorp Genetics (formerly Invitae), Labcorp
Classification: Uncertain significance. Last evaluated: 2023-10-23. Review status: criteria provided, single submitter. Criteria: Invitae Variant Classification Sherloc (09022015). Collection method: clinical testing. Allele origin: germline.
Comment: This sequence change replaces arginine, which is basic and polar, with leucine, which is neutral and non-polar, at codon 183 of the GFAP protein (p.Arg183Leu). This variant is present in population databases (no rsID available, gnomAD 0.003%). This variant has not been reported in the literature in individuals affected with GFAP-related conditions. Advanced modeling of protein sequence and biophysical properties (such as structural, functional, and spatial information, amino acid conservation, physicochemical variation, residue mobility, and thermodynamic stability) has been performed at Invitae for this missense variant, however the output from this modeling did not meet the statistical confidence thresholds required to predict the impact of this variant on GFAP protein function. In summary, the available evidence is currently insufficient to determine the role of this variant in disease. Therefore, it has been classified as a Variant of Uncertain Significance.